The following is an entry in ClinVar:

ClinVar aggregate classification (germline): Uncertain significance (1 of 4 stars; one submission).

Conditions:
Inborn genetic diseases. Identifiers: MedGen C0950123, MeSH D030342.

Submission:

Ambry Genetics
Classification: Uncertain significance for Inborn genetic diseases. Last evaluated: 2021-11-11. Review status: criteria provided, single submitter. Criteria: Ambry Variant Classification Scheme 2023. Collection method: clinical testing. Allele origin: germline.
Comment: The p.M724K variant (also known as c.2171T>A), located in coding exon 18 of the LRRK2 gene, results from a T to A substitution at nucleotide position 2171. The methionine at codon 724 is replaced by lysine, an amino acid with similar properties. This amino acid position is conserved. In addition, this alteration is predicted to be deleterious by in silico analysis. Since supporting evidence is limited at this time, the clinical significance of this alteration remains unclear.

NM_198578.4(LRRK2):c.2171T>A (p.Met724Lys)

Gene: LRRK2 (leucine rich repeat kinase 2; plus strand). Cytogenetic location: 12q12.
Variant type: single nucleotide variant.
Coding change: c.2171T>A on transcript NM_198578.4 (MANE Select); coding-DNA position 2171, T replaced by A.
Protein change: p.Met724Lys; replaces methionine 724 with lysine.
Molecular consequence: missense variant.
Genome position (GRCh38, 1-based): chr12:40,278,191, T>A. VCF-style: chr12-40278191-T-A. GRCh37 (hg19) VCF-style: chr12-40671993-T-A.
Other names: short protein forms M724K.
Identifiers: ClinVar variation 1787113 (VCV001787113.2), dbSNP rs1023041271, ClinGen allele CA384405185.